The following is an entry in ClinVar:

NM_001283009.2(RTEL1):c.3126A>C (p.Gln1042His)

Genes: RTEL1 (regulator of telomere elongation helicase 1; plus strand), RTEL1-TNFRSF6B (RTEL1-TNFRSF6B readthrough (NMD candidate); plus strand). Cytogenetic location: 20q13.33.
Variant type: single nucleotide variant.
Coding change: c.3126A>C on transcript NM_001283009.2 (MANE Select); coding-DNA position 3126, A replaced by C.
Protein change: p.Gln1042His; replaces glutamine 1042 with histidine.
Molecular consequence: missense variant. On other transcripts: non-coding transcript variant (1).
Genome position (GRCh38, 1-based): chr20:63,694,757, A>C. VCF-style: chr20-63694757-A-C. GRCh37 (hg19) VCF-style: chr20-62326110-A-C.
Other names: c.2457A>C, p.Gln819His (NM_001283010.1); c.3126A>C, p.Gln1042His (NM_016434.4); c.3198A>C, p.Gln1066His (NM_032957.5); short protein forms Q1042H, Q1066H, Q819H.
Identifiers: ClinVar variation 403402 (VCV000403402.29), dbSNP rs3208008, ClinGen allele CA9965882.
Genomic context (GRCh38, chr20:63,694,757, plus strand): 5'-CCTCCACCCCAGCGCCACTCTGAGCCATGCTACTCCCACACCAGGAGACCCTGGCAGCCA[A>C]CCACAGTGGGGGTCTGGAGTGCCCAGAGCAGGGAAGCAGGGCCAGCACGCCGTGAGCGCC-3'
Protein context (NP_001269938.1, residues 1032-1052): RPPPTGDPGS[Gln1042His]PQWGSGVPRA

ClinVar aggregate classification (germline): Benign. Review status: criteria provided, multiple submitters, no conflicts (2 of 4 stars). 15 submissions from 14 submitters: Benign (11). 4 of the submissions do not count toward it. Last evaluated 2026-02-04.

Conditions:
Dyskeratosis congenita, autosomal recessive 5 (DKCB5). Identifiers: MedGen C3554656, MONDO:0014076, OMIM 615190.
Pulmonary fibrosis and/or bone marrow failure, Telomere-related, 3. Also called: PULMONARY FIBROSIS AND/OR BONE MARROW FAILURE SYNDROME, TELOMERE-RELATED, 3. Identifiers: Orphanet 2032, MedGen C4225346, MONDO:0014613, OMIM 616373.
Dyskeratosis congenita. Identifiers: Orphanet 1775, MedGen C0265965, MONDO:0015780.

Allele frequency attached by ClinVar (database versions not stated): 1000 Genomes Project 0.73682; 1000 Genomes Project 30x 0.74485; gnomAD exomes 0.74835 and 0.75226; ExAC 0.75473; gnomAD 0.80621 and 0.81536; TOPMed 0.80739; ESP Exome Variant Server 0.82324.
gnomAD v4.1: 1,214,418 of 1,603,768 alleles (76%); highest among the groups gnomAD compares: African/African-American, 94%; 465,486 homozygotes.

Submissions (15):

Labcorp Genetics (formerly Invitae), Labcorp
Classification: Benign for Dyskeratosis congenita, autosomal recessive 5; Pulmonary fibrosis and/or bone marrow failure, Telomere-related, 3. Last evaluated: 2026-02-04. Review status: criteria provided, single submitter. Criteria: Invitae Variant Classification Sherloc (09022015). Collection method: clinical testing. Allele origin: germline.

ARUP Laboratories, Molecular Genetics and Genomics, ARUP Laboratories
Classification: Benign. Last evaluated: 2025-07-28. Review status: criteria provided, single submitter. Criteria: ARUP Molecular Germline Variant Investigation Process 2024. Collection method: clinical testing. Allele origin: germline.

Blueprint Genetics
Classification: Benign. Last evaluated: 2024-11-28. Review status: criteria provided, single submitter. Criteria: ACMG Guidelines, 2015. Collection method: clinical testing. Allele origin: germline.

Unidad de Genómica Garrahan, Hospital de Pediatría Garrahan
Classification: Benign. Last evaluated: 2024-01-24. Review status: criteria provided, single submitter. Criteria: ACMG Guidelines, 2015. Collection method: clinical testing. Allele origin: germline. Affected: no. Observed: 85 variant alleles.
Comment: This variant is classified as Benign based on local population frequency. This variant was detected in 89% of patients studied by a panel of primary immunodeficiencies. Number of patients: 85. Only high quality variants are reported.

Genome-Nilou Lab
Classification: Benign for Dyskeratosis congenita, autosomal recessive 5. Last evaluated: 2021-07-10. Review status: criteria provided, single submitter. Criteria: ACMG Guidelines, 2015. Collection method: clinical testing. Allele origin: germline. Affected: no.

Genome-Nilou Lab
Classification: Benign for Pulmonary fibrosis and/or bone marrow failure, Telomere-related, 3. Last evaluated: 2021-07-10. Review status: criteria provided, single submitter. Criteria: ACMG Guidelines, 2015. Collection method: clinical testing. Allele origin: germline. Affected: no.

Women's Health and Genetics/Laboratory Corporation of America, LabCorp
Classification: Benign. Last evaluated: 2017-07-10. Review status: criteria provided, single submitter. Criteria: LabCorp Variant Classification Summary - May 2015. Collection method: clinical testing. Allele origin: germline.
Comment: Variant summary: The RTEL1 c.3198A>C (p.Gln1066His) variant involves the alteration of a non-conserved nucleotide that 4/4 in silico tools predict a benign outcome. This variant was found in 87362/115752 control chromosomes (33743 homozygotes) at a frequency of 0.7547343, which indicates that the C allele is the major allele found in the general population. In addition, a clinical diagnostic laboratory classified this variant as benign. Therefore, due to the allele frequency observed in the general control population, the variant of interest has been classified as Benign.

Mayo Clinic Laboratories, Mayo Clinic
Classification: Benign. Last evaluated: 2016-09-21. Review status: criteria provided, single submitter. Criteria: ACMG Guidelines, 2015. Collection method: clinical testing. Allele origin: germline. Observed: 1,128 variant alleles.

Laboratory for Molecular Medicine, Mass General Brigham Personalized Medicine
Classification: Benign. Last evaluated: 2016-03-29. Review status: criteria provided, single submitter. Criteria: LMM Criteria. Collection method: clinical testing. Allele origin: germline.
Comment: Variant identified in a genome or exome case(s) and assessed due to predicted null impact of the variant or pathogenic assertions in the literature or databases. Disclaimer: This variant has not undergone full assessment. The following are preliminary notes: Frequency

GeneDx
Classification: Benign. Last evaluated: 2015-03-03. Review status: criteria provided, single submitter. Criteria: GeneDx Variant Classification Process June 2021. Collection method: clinical testing. Allele origin: germline. Affected: yes.
Comment: This variant is associated with the following publications: (PMID: 27128385, 23329068)

Breakthrough Genomics
Classification: Benign. Review status: criteria provided, single submitter. Criteria: ACMG Guidelines, 2015. Collection method: not provided. Allele origin: germline. Inheritance: Autosomal recessive inheritance. Affected: yes.

Natera, Inc.
Classification: Benign for Dyskeratosis congenita. Last evaluated: 2020-09-16. Review status: no assertion criteria provided. Collection method: clinical testing. Allele origin: germline. Not counted in ClinVar's aggregate classification.

Clinical Genetics DNA and cytogenetics Diagnostics Lab, Erasmus MC, Erasmus Medical Center
Classification: Benign. Review status: no assertion criteria provided. Collection method: clinical testing. Allele origin: germline. Affected: yes. Study: VKGL Data-share Consensus. Not counted in ClinVar's aggregate classification.

Genome Diagnostics Laboratory, University Medical Center Utrecht
Classification: Benign. Review status: no assertion criteria provided. Collection method: clinical testing. Allele origin: germline. Affected: yes. Study: VKGL Data-share Consensus. Not counted in ClinVar's aggregate classification.

Joint Genome Diagnostic Labs from Nijmegen and Maastricht, Radboudumc and MUMC+
Classification: Benign. Review status: no assertion criteria provided. Collection method: clinical testing. Allele origin: germline. Affected: yes. Study: VKGL Data-share Consensus. Not counted in ClinVar's aggregate classification.